The following is an entry in ClinVar:

Conditions:
Breast-ovarian cancer, familial, susceptibility to, 1 (BROVCA1). Also called: BRCA1 Hereditary Breast and Ovarian Cancer; OVARIAN CANCER, SUSCEPTIBILITY TO. Identifiers: Orphanet 145, MedGen C2676676, MONDO:0011450, OMIM 604370. Disease mechanism: loss of function.

Submission:

Brotman Baty Institute, University of Washington
No classification provided (evidence only). Condition: Breast-ovarian cancer, familial 1. Review status: no classification provided. Collection method: in vitro. Allele origin: not applicable. Functional consequence: functionally_normal.
ClinVar note: "not provided" was previously submitted as the classification for the variant. However, the classification appeared to be based only on an observation of functional data so it was converted to no classification on 2025-07-30.

NM_007294.4(BRCA1):c.5277+8T>C

Gene: BRCA1 (BRCA1 DNA repair associated; minus strand). Cytogenetic location: 17q21.31.
Variant type: single nucleotide variant.
Coding change: c.5277+8T>C on transcript NM_007294.4 (MANE Select); 8 bases into the intron after coding-DNA position 5277, T replaced by C.
Molecular consequence: intron variant.
Genome position (GRCh38, 1-based): chr17:43,057,044, A>G on the plus strand (T>C on the coding strand, the complement: BRCA1 is on the minus strand). VCF-style: chr17-43057044-A-G. GRCh37 (hg19) VCF-style: chr17-41209061-A-G.
Other names: c.1965+8T>C (NM_001407980.1, NM_001407993.1, NM_001407985.1 and 12 more transcripts); c.1968+8T>C (NM_001407976.1, NM_001407974.1, NM_001407973.1 and 3 more transcripts); c.5274+8T>C (NM_001407618.1, NM_001407614.1, NM_001407626.1 and 17 more transcripts); c.5277+8T>C (NM_001407603.1, NM_001407854.1, NM_001407598.1 and 7 more transcripts); c.1833+8T>C (NM_001408451.1); c.5064+8T>C (NM_001407898.1, NM_001407894.1, NM_001407909.1 and 12 more transcripts); c.5067+8T>C (NM_001407881.1, NM_001407887.1, NM_001407889.1 and 5 more transcripts); c.5010+8T>C (NM_001407932.1, NM_001407928.1, NM_001407929.1 and 4 more transcripts); and 72 more.
Identifiers: ClinVar variation 867927 (VCV000867927.3), dbSNP rs2051493505, ClinGen allele CA916081120.